The following is an entry in ClinVar:

NM_005612.5(REST):c.1629_1631del (p.Lys546del)

Gene: REST (RE1 silencing transcription factor; plus strand). Cytogenetic location: 4q12.
Variant type: Deletion.
Coding change: c.1629_1631del on transcript NM_005612.5 (MANE Select); coding-DNA positions 1629 to 1631, 3 bases deleted (GAA; older notation c.1629_1631delGAA).
Protein change: p.Lys546del; deletes lysine 546.
Molecular consequence: inframe deletion. On other transcripts: inframe indel (2).
Genome position (GRCh38, 1-based): chr4:56,930,487-56,930,489, GAA deleted; deleting any 3 consecutive bases within chr4:56,930,485-56,930,489 gives the same sequence; the c. name uses the placement nearest the transcript's 3' end. VCF-style (leftmost placement, unchanged base first): chr4-56930484-AAAG-A. GRCh37 (hg19) VCF-style: chr4-57796650-AAAG-A.
Other names: c.1629_1631delGAA, p.Lys546del (NM_001193508.2, NM_001363453.3); short protein forms K546del.
Identifiers: ClinVar variation 3611387 (VCV003611387.2).

ClinVar aggregate classification (germline): Uncertain significance (1 of 4 stars; one submission).

Submission:

Labcorp Genetics (formerly Invitae), Labcorp
Classification: Uncertain significance. Last evaluated: 2024-09-23. Review status: criteria provided, single submitter. Criteria: Invitae Variant Classification Sherloc (09022015). Collection method: clinical testing. Allele origin: germline.
Comment: This variant, c.1629_1631del, results in the deletion of 1 amino acid(s) of the REST protein (p.Lys546del), but otherwise preserves the integrity of the reading frame. This variant is not present in population databases (gnomAD no frequency). This variant has not been reported in the literature in individuals affected with REST-related conditions. In summary, the available evidence is currently insufficient to determine the role of this variant in disease. Therefore, it has been classified as a Variant of Uncertain Significance.